The following is an entry in ClinVar:

ClinVar aggregate classification (germline): Likely pathogenic (0 of 4 stars; one submission).

Conditions:
Pyruvate dehydrogenase E1-alpha deficiency (PDHAD). Also called: ATAXIA, INTERMITTENT, WITH PYRUVATE DEHYDROGENASE DEFICIENCY; ATAXIA WITH LACTIC ACIDOSIS I; ATAXIA, INTERMITTENT, WITH ABNORMAL PYRUVATE METABOLISM; Ataxia, intermittent, with pyruvate dehydrogenase, or decarboxylase, deficiency. Identifiers: Orphanet 79243, MedGen C1839413, MONDO:0010717, OMIM 312170.

Submission:

PDHA1 Study Group, University Children’s Hospital, Paracelsus Medical University
Classification: Likely pathogenic for Pyruvate dehydrogenase E1-alpha deficiency. Last evaluated: 2024-10-15. Review status: no assertion criteria provided. Collection method: research. Allele origin: germline. Affected: yes. Observed: 1 variant allele.
Comment: The NM_000284.3:c.892G>A (p.Gly298Arg) substitution is a missense variant in PDHA1 gene. The variant has been reported in 1 published case (PMIDs: ). Last literature search: July 12, 2024. This variant is absent or extremely rare in population-based cohorts in the Genome Aggregation Database (gnomAD). Individuals harboring this variant presented with clinical features compatible with PDHA1-related PDHc deficiency. In summary, this variant meets criteria to be classified as likely pathogenic (LP) for PDHA1-related PDHc deficiency based on the ACMG/AMP criteria applied: PS3, PM2, PM5, PP3 (last assessment October 15, 2024).

Literature cited by the submitters: DOI 10.1093/brain/awaf430.

NM_000284.4(PDHA1):c.892G>A (p.Gly298Arg)

Gene: PDHA1 (pyruvate dehydrogenase E1 subunit alpha 1; plus strand). Cytogenetic location: Xp22.12.
Variant type: single nucleotide variant.
Coding change: c.892G>A on transcript NM_000284.4 (MANE Select); coding-DNA position 892, G replaced by A.
Protein change: p.Gly298Arg; replaces glycine 298 with arginine.
Molecular consequence: missense variant.
Genome position (GRCh38, 1-based): chrX:19,357,712, G>A. VCF-style: chrX-19357712-G-A. GRCh37 (hg19) VCF-style: chrX-19375830-G-A.
Other names: c.1006G>A, p.Gly336Arg (NM_001173454.2); c.913G>A, p.Gly305Arg (NM_001173455.2); c.799G>A, p.Gly267Arg (NM_001173456.2); short protein forms G267R, G298R, G305R, G336R.
Identifiers: ClinVar variation 4070383 (VCV004070383.1).